The following is an entry in ClinVar:

ClinVar aggregate classification (germline): Likely benign. Review status: criteria provided, multiple submitters, no conflicts (2 of 4 stars). 5 submissions from 5 submitters: Likely benign (5). Last evaluated 2025-12-31.

Conditions:
Sneddon syndrome (SNDNS). Also called: LIVEDO RETICULARIS AND CEREBROVASCULAR ACCIDENTS; Idiopathic livedo reticularis with systemic involvement. Identifiers: Orphanet 820, MedGen C0282492, MONDO:0008436, OMIM 182410.
Deficiency of adenosine deaminase 2. Also called: Adenosine Deaminase 2 Deficiency; Polyarteritis nodosa, childhoood-onset; VASCULITIS, AUTOINFLAMMATION, IMMUNODEFICIENCY, AND HEMATOLOGIC DEFECTS SYNDROME. Identifiers: Orphanet 404553, MedGen C3887654, MONDO:0014306, OMIM 615688, MONDO:0100317.

Allele frequency attached by ClinVar (database versions not stated): gnomAD exomes 0.00008 and 0.00017; ExAC 0.00021; ESP Exome Variant Server 0.00077; 1000 Genomes Project 30x 0.00078; 1000 Genomes Project 0.00080; gnomAD 0.00084 and 0.00091; TOPMed 0.00102.
gnomAD v4.1: 257 of 1,613,492 alleles (0.016%); highest among the groups gnomAD compares: African/African-American, 0.31%; no homozygotes.

Submissions (5):

Labcorp Genetics (formerly Invitae), Labcorp
Classification: Likely benign for Deficiency of adenosine deaminase 2. Last evaluated: 2025-12-31. Review status: criteria provided, single submitter. Criteria: Invitae Variant Classification Sherloc (09022015). Collection method: clinical testing. Allele origin: germline.

Mayo Clinic Laboratories, Mayo Clinic
Classification: Likely benign. Last evaluated: 2025-03-10. Review status: criteria provided, single submitter. Criteria: ACMG Guidelines, 2015. Collection method: clinical testing. Allele origin: germline. Observed: 3 variant alleles.
Comment: BP4, BP7

Blueprint Genetics
Classification: Likely benign. Last evaluated: 2024-08-12. Review status: criteria provided, single submitter. Criteria: ACMG Guidelines, 2015. Collection method: clinical testing. Allele origin: germline.

Fulgent Genetics
Classification: Likely benign for Sneddon syndrome; Deficiency of adenosine deaminase 2. Last evaluated: 2021-09-20. Review status: criteria provided, single submitter. Criteria: ACMG Guidelines, 2015. Collection method: clinical testing. Allele origin: unknown.

Breakthrough Genomics
Classification: Likely benign. Review status: criteria provided, single submitter. Criteria: ACMG Guidelines, 2015. Collection method: not provided. Allele origin: germline. Inheritance: Autosomal recessive inheritance. Affected: yes.

NM_001282225.2(ADA2):c.783C>T (p.Asp261=)

Gene: ADA2 (adenosine deaminase 2; minus strand). Cytogenetic location: 22q11.1.
Variant type: single nucleotide variant.
Coding change: c.783C>T on transcript NM_001282225.2 (MANE Select); coding-DNA position 783, C replaced by T.
Protein change: p.Asp261=; no amino-acid change (aspartic acid 261 retained).
Molecular consequence: synonymous variant.
Genome position (GRCh38, 1-based): chr22:17,191,781, G>A on the plus strand (C>T on the coding strand, the complement: ADA2 is on the minus strand). VCF-style: chr22-17191781-G-A. GRCh37 (hg19) VCF-style: chr22-17672671-G-A.
Other names: p.Asp261=; c.783C>T, p.Asp261= (NM_001282226.2); c.657C>T, p.Asp219= (NM_001282227.2, NM_001282228.2); c.423C>T, p.Asp141= (NM_001282229.2); c.60C>T, p.Asp20= (NM_177405.3).
Identifiers: ClinVar variation 720161 (VCV000720161.15), dbSNP rs150249309, ClinGen allele CA10088088.